The following is an entry in ClinVar:

ClinVar aggregate classification (germline): Uncertain significance (1 of 4 stars; one submission).

Allele frequency attached by ClinVar (database versions not stated): TOPMed below 0.00001; gnomAD 0.00001.
gnomAD v4.1: 2 of 1,613,986 alleles (0.00012%); highest among the groups gnomAD compares: African/African-American, 0.0013%; no homozygotes.

Submission:

Labcorp Genetics (formerly Invitae), Labcorp
Classification: Uncertain significance. Last evaluated: 2022-01-19. Review status: criteria provided, single submitter. Criteria: Invitae Variant Classification Sherloc (09022015). Collection method: clinical testing. Allele origin: germline.
Comment: Advanced modeling of protein sequence and biophysical properties (such as structural, functional, and spatial information, amino acid conservation, physicochemical variation, residue mobility, and thermodynamic stability) performed at Invitae indicates that this missense variant is not expected to disrupt FLNB protein function. This variant has not been reported in the literature in individuals affected with FLNB-related conditions. This variant is not present in population databases (gnomAD no frequency). This sequence change replaces threonine, which is neutral and polar, with alanine, which is neutral and non-polar, at codon 278 of the FLNB protein (p.Thr278Ala). In summary, the available evidence is currently insufficient to determine the role of this variant in disease. Therefore, it has been classified as a Variant of Uncertain Significance.

NM_001457.4(FLNB):c.832A>G (p.Thr278Ala)

Gene: FLNB (filamin B; plus strand). Cytogenetic location: 3p14.3.
Variant type: single nucleotide variant.
Coding change: c.832A>G on transcript NM_001457.4 (MANE Select); coding-DNA position 832, A replaced by G.
Protein change: p.Thr278Ala; replaces threonine 278 with alanine.
Molecular consequence: missense variant.
Genome position (GRCh38, 1-based): chr3:58,094,880, A>G. VCF-style: chr3-58094880-A-G. GRCh37 (hg19) VCF-style: chr3-58080607-A-G.
Other names: c.832A>G, p.Thr278Ala (NM_001164317.2, NM_001164318.2, NM_001164319.2); short protein forms T278A.
Identifiers: ClinVar variation 1947956 (VCV001947956.5), dbSNP rs1411257134, ClinGen allele CA353334416.